The following is an entry in ClinVar:

ClinVar aggregate classification (germline): Uncertain significance. Review status: criteria provided, multiple submitters, no conflicts (2 of 4 stars). 3 submissions from 3 submitters: Uncertain significance (3). Last evaluated 2023-01-16.

Conditions:
Succinate-semialdehyde dehydrogenase deficiency (SSADHD). Also called: Succinic Semialdehyde Dehydrogenase Deficiency; 4-HYDROXYBUTYRIC ACIDURIA; GABA METABOLIC DEFECT; SSADH DEFICIENCY. Identifiers: Orphanet 22, MedGen C0268631, MONDO:0010083, OMIM 271980.

Allele frequency attached by ClinVar (database versions not stated): gnomAD exomes 0.00004; TOPMed 0.00001; gnomAD 0.00003.
gnomAD v4.1: 34 of 1,494,446 alleles (0.0023%); highest among the groups gnomAD compares: Non-Finnish European, 0.00044%; no homozygotes.

Submissions (3):

Blueprint Genetics
Classification: Uncertain significance. Last evaluated: 2023-01-16. Review status: criteria provided, single submitter. Criteria: ACMG Guidelines, 2015. Collection method: clinical testing. Allele origin: germline.

Labcorp Genetics (formerly Invitae), Labcorp
Classification: Uncertain significance for Succinate-semialdehyde dehydrogenase deficiency. Last evaluated: 2022-07-03. Review status: criteria provided, single submitter. Criteria: Invitae Variant Classification Sherloc (09022015). Collection method: clinical testing. Allele origin: germline.
Comment: In summary, the available evidence is currently insufficient to determine the role of this variant in disease. Therefore, it has been classified as a Variant of Uncertain Significance. Algorithms developed to predict the effect of missense changes on protein structure and function are either unavailable or do not agree on the potential impact of this missense change (SIFT: "Deleterious"; PolyPhen-2: "Probably Damaging"; Align-GVGD: "Class C0"). ClinVar contains an entry for this variant (Variation ID: 809883). This variant has not been reported in the literature in individuals affected with ALDH5A1-related conditions. This variant is present in population databases (no rsID available, gnomAD 0.06%). This sequence change replaces leucine, which is neutral and non-polar, with proline, which is neutral and non-polar, at codon 59 of the ALDH5A1 protein (p.Leu59Pro).

CeGaT Center for Human Genetics Tuebingen
Classification: Uncertain significance. Last evaluated: 2016-08-01. Review status: criteria provided, single submitter. Criteria: CeGaT Center For Human Genetics Tuebingen Variant Classification Criteria Version 2. Collection method: clinical testing. Allele origin: germline. Affected: yes. Observed: 1 variant allele.

NM_001080.3(ALDH5A1):c.176T>C (p.Leu59Pro)

Genes: ALDH5A1 (aldehyde dehydrogenase 5 family member A1; plus strand), GPLD1 (glycosylphosphatidylinositol specific phospholipase D1; minus strand), LOC129995978 (ATAC-STARR-seq lymphoblastoid silent region 16989; plus strand). Cytogenetic location: 6p22.3.
Variant type: single nucleotide variant.
Coding change: c.176T>C on transcript NM_001080.3 (MANE Select); coding-DNA position 176, T replaced by C.
Protein change: p.Leu59Pro; replaces leucine 59 with proline.
Molecular consequence: missense variant.
Genome position (GRCh38, 1-based): chr6:24,495,172, T>C. VCF-style: chr6-24495172-T-C. GRCh37 (hg19) VCF-style: chr6-24495400-T-C.
Other names: c.176T>C, p.Leu59Pro (NM_001368954.1, NM_170740.1); short protein forms L59P.
Identifiers: ClinVar variation 809883 (VCV000809883.47), dbSNP rs1001493071, ClinGen allele CA136122181.